The following is an entry in ClinVar:

NM_031935.3(HMCN1):c.8492G>A (p.Arg2831Gln)

Gene: HMCN1 (hemicentin 1; plus strand). Cytogenetic location: 1q31.1.
Variant type: single nucleotide variant.
Coding change: c.8492G>A on transcript NM_031935.3 (MANE Select); coding-DNA position 8492, G replaced by A.
Protein change: p.Arg2831Gln; replaces arginine 2831 with glutamine.
Molecular consequence: missense variant.
Genome position (GRCh38, 1-based): chr1:186,078,113, G>A. VCF-style: chr1-186078113-G-A. GRCh37 (hg19) VCF-style: chr1-186047245-G-A.
Other names: short protein forms R2831Q.
Identifiers: ClinVar variation 2876837 (VCV002876837.3), dbSNP rs370319273, ClinGen allele CA1293148.

ClinVar aggregate classification (germline): Uncertain significance (1 of 4 stars; one submission).

Allele frequency attached by ClinVar (database versions not stated): gnomAD exomes 0.00001; TOPMed 0.00002; gnomAD 0.00003; ExAC 0.00004; ESP Exome Variant Server 0.00008.
gnomAD v4.1: 19 of 1,611,430 alleles (0.0012%); highest among the groups gnomAD compares: African/African-American, 0.0027%; no homozygotes.

Submission:

Labcorp Genetics (formerly Invitae), Labcorp
Classification: Uncertain significance. Last evaluated: 2023-06-10. Review status: criteria provided, single submitter. Criteria: Invitae Variant Classification Sherloc (09022015). Collection method: clinical testing. Allele origin: germline.
Comment: This sequence change replaces arginine, which is basic and polar, with glutamine, which is neutral and polar, at codon 2831 of the HMCN1 protein (p.Arg2831Gln). This variant is present in population databases (rs370319273, gnomAD 0.007%). This variant has not been reported in the literature in individuals affected with HMCN1-related conditions. An algorithm developed to predict the effect of missense changes on protein structure and function (PolyPhen-2) suggests that this variant is likely to be disruptive. In summary, the available evidence is currently insufficient to determine the role of this variant in disease. Therefore, it has been classified as a Variant of Uncertain Significance.